The following is an entry in ClinVar:

NM_020779.4(WDR35):c.2999A>T (p.Glu1000Val)

Gene: WDR35 (WD repeat domain 35; minus strand). Cytogenetic location: 2p24.1.
Variant type: single nucleotide variant.
Coding change: c.2999A>T on transcript NM_020779.4 (MANE Select); coding-DNA position 2999, A replaced by T.
Protein change: p.Glu1000Val; replaces glutamic acid 1000 with valine.
Molecular consequence: missense variant.
Genome position (GRCh38, 1-based): chr2:19,930,518, T>A on the plus strand (A>T on the coding strand, the complement: WDR35 is on the minus strand). VCF-style: chr2-19930518-T-A. GRCh37 (hg19) VCF-style: chr2-20130279-T-A.
Other names: c.3032A>T, p.Glu1011Val (NM_001006657.2); short protein forms E1000V, E1011V.
Identifiers: ClinVar variation 895009 (VCV000895009.10), dbSNP rs370951527, ClinGen allele CA1542768.
Genomic context (GRCh38, chr2:19,930,518, plus strand): 5'-TGGTAAGCCTCTGCCCCTCTCCATGCATTATCTGTGAAACGATCTGTTGTAGACAGAACT[T>A]CTTCTTCCAGCAAACCAGCCAAGGCAGAAGTGGCCTACGAGTAAAGTCAGCCCACACTTT-3'
Protein context (NP_065830.2, residues 990-1010): TSALAGLLEE[Glu1000Val]VLSTTDRFTD

ClinVar aggregate classification (germline): Uncertain significance. Review status: criteria provided, multiple submitters, no conflicts (2 of 4 stars). 4 submissions from 3 submitters: Uncertain significance (4). Last evaluated 2023-12-16.

Conditions:
Inborn genetic diseases. Identifiers: MedGen C0950123, MeSH D030342.
Cranioectodermal dysplasia 2 (CED2). Identifiers: Orphanet 1515, MedGen C3150874, MONDO:0013323, OMIM 613610.
Short-rib thoracic dysplasia 7 with or without polydactyly (SRTD7). Also called: Short rib polydactyly syndrome 5; SHORT-RIB THORACIC DYSPLASIA 7 WITH POLYDACTYLY. Identifiers: Orphanet 498497, Orphanet 93271, MedGen C3279792, MONDO:0013569, OMIM 614091.

Allele frequency attached by ClinVar (database versions not stated): ExAC 0.00006; gnomAD exomes 0.00007 and 0.00034; ESP Exome Variant Server 0.00008; TOPMed 0.00013; gnomAD 0.00014 and 0.00015.
gnomAD v4.1: 498 of 1,613,954 alleles (0.031%); highest among the groups gnomAD compares: Non-Finnish European, 0.041%; no homozygotes.

Submissions (4):

Ambry Genetics
Classification: Uncertain significance for Inborn genetic diseases. Last evaluated: 2023-12-16. Review status: criteria provided, single submitter. Criteria: Ambry Variant Classification Scheme 2023. Collection method: clinical testing. Allele origin: germline.

Labcorp Genetics (formerly Invitae), Labcorp
Classification: Uncertain significance for Cranioectodermal dysplasia 2; Short-rib thoracic dysplasia 7 with or without polydactyly. Last evaluated: 2021-08-28. Review status: criteria provided, single submitter. Criteria: Invitae Variant Classification Sherloc (09022015). Collection method: clinical testing. Allele origin: germline.
Comment: This sequence change replaces glutamic acid with valine at codon 1011 of the WDR35 protein (p.Glu1011Val). The glutamic acid residue is weakly conserved and there is a moderate physicochemical difference between glutamic acid and valine. This variant is present in population databases (rs370951527, ExAC 0.01%). This variant has not been reported in the literature in individuals affected with WDR35-related conditions. Algorithms developed to predict the effect of missense changes on protein structure and function are either unavailable or do not agree on the potential impact of this missense change (SIFT: "Deleterious"; PolyPhen-2: "Benign"; Align-GVGD: "Class C0"). In summary, the available evidence is currently insufficient to determine the role of this variant in disease. Therefore, it has been classified as a Variant of Uncertain Significance.

Illumina Laboratory Services, Illumina
Classification: Uncertain significance for Short-rib thoracic dysplasia 7 with or without polydactyly. Last evaluated: 2018-01-13. Review status: criteria provided, single submitter. Criteria: ICSL Variant Classification Criteria 13 December 2019. Collection method: clinical testing. Allele origin: germline.

Illumina Laboratory Services, Illumina
Classification: Uncertain significance for Cranioectodermal dysplasia 2. Last evaluated: 2018-01-13. Review status: criteria provided, single submitter. Criteria: ICSL Variant Classification Criteria 13 December 2019. Collection method: clinical testing. Allele origin: germline.